The following is an entry in ClinVar:

ClinVar aggregate classification (germline): Conflicting classifications of pathogenicity. Review status: criteria provided, conflicting classifications (1 of 4 stars). 4 submissions from 4 submitters: Uncertain significance (2); Likely benign (1). 1 of the submissions does not count toward it. Last evaluated 2024-06-19.

Conditions:
Hereditary cancer-predisposing syndrome. Also called: Hereditary Cancer Syndrome; Hereditary neoplastic syndrome; Neoplastic Syndromes, Hereditary; Tumor predisposition. Identifiers: Orphanet 140162, MedGen C0027672, MeSH D009386, MONDO:0015356.
Bloom syndrome (BLM). Also called: Bloom-Torre-Machacek syndrome. Identifiers: Orphanet 125, MedGen C0005859, MONDO:0008876, OMIM 210900.

Allele frequency attached by ClinVar (database versions not stated): gnomAD exomes below 0.00001 and 0.00001; ExAC 0.00001.

Submissions (4):

Labcorp Genetics (formerly Invitae), Labcorp
Classification: Uncertain significance for Bloom syndrome. Last evaluated: 2024-06-19. Review status: criteria provided, single submitter. Criteria: Invitae Variant Classification Sherloc (09022015). Collection method: clinical testing. Allele origin: germline.
Comment: This sequence change replaces valine, which is neutral and non-polar, with leucine, which is neutral and non-polar, at codon 1085 of the BLM protein (p.Val1085Leu). This variant is present in population databases (rs761235042, gnomAD 0.0009%). This variant has not been reported in the literature in individuals affected with BLM-related conditions. ClinVar contains an entry for this variant (Variation ID: 596135). Advanced modeling of protein sequence and biophysical properties (such as structural, functional, and spatial information, amino acid conservation, physicochemical variation, residue mobility, and thermodynamic stability) performed at Invitae indicates that this missense variant is not expected to disrupt BLM protein function with a negative predictive value of 80%. In summary, the available evidence is currently insufficient to determine the role of this variant in disease. Therefore, it has been classified as a Variant of Uncertain Significance.

Ambry Genetics
Classification: Likely benign for Hereditary cancer-predisposing syndrome. Last evaluated: 2024-04-25. Review status: criteria provided, single submitter. Criteria: Ambry Variant Classification Scheme 2023. Collection method: clinical testing. Allele origin: germline.

Eurofins Ntd Llc (ga)
Classification: Uncertain significance. Last evaluated: 2018-02-27. Review status: criteria provided, single submitter. Criteria: EGL ClinVar v180209 classification definitions. Collection method: clinical testing. Allele origin: germline. Observed: 1 variant allele, 1 heterozygote.

Natera, Inc.
Classification: Uncertain significance for Bloom syndrome. Last evaluated: 2020-09-16. Review status: no assertion criteria provided. Collection method: clinical testing. Allele origin: germline. Not counted in ClinVar's aggregate classification.

NM_000057.4(BLM):c.3253G>T (p.Val1085Leu)

Gene: BLM (BLM RecQ like helicase; plus strand). Cytogenetic location: 15q26.1.
Variant type: single nucleotide variant.
Coding change: c.3253G>T on transcript NM_000057.4 (MANE Select); coding-DNA position 3253, G replaced by T.
Protein change: p.Val1085Leu; replaces valine 1085 with leucine.
Molecular consequence: missense variant.
Genome position (GRCh38, 1-based): chr15:90,798,232, G>T. VCF-style: chr15-90798232-G-T. GRCh37 (hg19) VCF-style: chr15-91341462-G-T.
Other names: c.3253G>T, p.Val1085Leu (NM_001287246.2, NM_001287247.2); c.2128G>T, p.Val710Leu (NM_001287248.2); c.3253G>T (NM_000057.2); short protein forms V1085L, V710L.
Identifiers: ClinVar variation 596135 (VCV000596135.14), dbSNP rs761235042, ClinGen allele CA7738977.